The following is an entry in ClinVar:

ClinVar aggregate classification (germline): Likely benign. Review status: criteria provided, multiple submitters, no conflicts (2 of 4 stars). 3 submissions from 3 submitters: Likely benign (3). Last evaluated 2026-01-25.

Conditions:
Combined immunodeficiency due to DOCK8 deficiency (HIES2). Also called: DOCK8 Deficiency; HIES autosomal recessive; HYPER-IgE RECURRENT INFECTION SYNDROME 2, AUTOSOMAL RECESSIVE; HYPER-IgE SYNDROME 2, AUTOSOMAL RECESSIVE, WITH RECURRENT INFECTIONS; Hyper-IgE recurrent infection syndrome, autosomal recessive. Identifiers: Orphanet 217390, MedGen C4722305, MONDO:0009478, OMIM 243700.

Allele frequency attached by ClinVar (database versions not stated): ESP Exome Variant Server 0.00008; TOPMed 0.00009; gnomAD 0.00011 and 0.00012.
gnomAD v4.1: 177 of 1,609,822 alleles (0.011%); highest among the groups gnomAD compares: Middle Eastern, 0.016%; no homozygotes.

Submissions (3):

Labcorp Genetics (formerly Invitae), Labcorp
Classification: Likely benign for Combined immunodeficiency due to DOCK8 deficiency. Last evaluated: 2026-01-25. Review status: criteria provided, single submitter. Criteria: Invitae Variant Classification Sherloc (09022015). Collection method: clinical testing. Allele origin: germline.

Blueprint Genetics
Classification: Likely benign. Last evaluated: 2024-07-17. Review status: criteria provided, single submitter. Criteria: ACMG Guidelines, 2015. Collection method: clinical testing. Allele origin: germline.

GeneDx
Classification: Likely benign. Last evaluated: 2016-11-04. Review status: criteria provided, single submitter. Criteria: GeneDx Variant Classification (06012015). Collection method: clinical testing. Allele origin: germline. Affected: yes.
Comment: This variant is considered likely benign or benign based on one or more of the following criteria: it is a conservative change, it occurs at a poorly conserved position in the protein, it is predicted to be benign by multiple in silico algorithms, and/or has population frequency not consistent with disease.

NM_203447.4(DOCK8):c.2970+16G>A

Gene: DOCK8 (dedicator of cytokinesis 8; plus strand). Cytogenetic location: 9p24.3.
Variant type: single nucleotide variant.
Coding change: c.2970+16G>A on transcript NM_203447.4 (MANE Select); 16 bases into the intron after coding-DNA position 2970, G replaced by A.
Molecular consequence: intron variant.
Genome position (GRCh38, 1-based): chr9:390,582, G>A. VCF-style: chr9-390582-G-A. GRCh37 (hg19) VCF-style: chr9-390582-G-A.
Other names: c.2766+16G>A (NM_001193536.2); c.2670+16G>A (NM_001190458.2).
Identifiers: ClinVar variation 390285 (VCV000390285.10), dbSNP rs377526583, ClinGen allele CA4958425.